The following is an entry in ClinVar:

NM_002474.3(MYH11):c.5101_5102del (p.Arg1701fs)

Genes: NDE1 (nudE neurodevelopment protein 1; plus strand), MYH11 (myosin heavy chain 11; minus strand). Cytogenetic location: 16p13.11.
Variant type: Microsatellite.
Coding change: c.5101_5102del on transcript NM_002474.3 (MANE Select); coding-DNA positions 5101 to 5102, 2 bases deleted (AG; older notation c.5101_5102delAG).
Protein change: p.Arg1701fs; shifts the reading frame from arginine 1701.
Molecular consequence: frameshift variant. On other transcripts: intron variant (2).
Genome position (GRCh38, 1-based): chr16:15,719,289-15,719,290, CT deleted on the plus strand (AG on the coding strand, the reverse complement: MYH11 is on the minus strand); deleting any 2 consecutive bases within chr16:15,719,289-15,719,293 gives the same sequence; the c. name uses the placement nearest the transcript's 3' end. VCF-style (leftmost placement, unchanged base first): chr16-15719288-CCT-C. GRCh37 (hg19) VCF-style: chr16-15813145-CCT-C.
Other names: c.5122_5123del, p.Arg1708fs (NM_001040113.2, NM_001040114.2); c.5101_5102del, p.Arg1701fs (NM_022844.3); c.948-4899_948-4898del (NM_001143979.2, NM_017668.3); short protein forms R1701fs, R1708fs.
Identifiers: ClinVar variation 2777758 (VCV002777758.3), dbSNP rs2506104244, ClinGen allele CA2739266626.

ClinVar aggregate classification (germline): Pathogenic (1 of 4 stars; one submission).

Conditions:
Aortic aneurysm, familial thoracic 4 (AAT4). Also called: AORTIC ANEURYSM/AORTIC DISSECTION AND PATENT DUCTUS ARTERIOSUS. Identifiers: MedGen C1851504, MONDO:0007568, OMIM 132900.

Submission:

Labcorp Genetics (formerly Invitae), Labcorp
Classification: Pathogenic for Aortic aneurysm, familial thoracic 4. Last evaluated: 2022-12-16. Review status: criteria provided, single submitter. Criteria: Invitae Variant Classification Sherloc (09022015). Collection method: clinical testing. Allele origin: germline.
Comment: This sequence change creates a premature translational stop signal (p.Arg1708Glyfs*19) in the MYH11 gene. It is expected to result in an absent or disrupted protein product. Loss-of-function variants in MYH11 are known to be pathogenic (PMID: 25407000, 29575632). This variant is not present in population databases (gnomAD no frequency). This variant has not been reported in the literature in individuals affected with MYH11-related conditions. For these reasons, this variant has been classified as Pathogenic.

Literature cited by the submitters: PubMed 25407000; PubMed 29575632.